The following is an entry in ClinVar:

NM_003245.4(TGM3):c.1035C>G (p.Pro345=)

Gene: TGM3 (transglutaminase 3; plus strand). Cytogenetic location: 20p13.
Variant type: single nucleotide variant.
Coding change: c.1035C>G on transcript NM_003245.4 (MANE Select); coding-DNA position 1035, C replaced by G.
Protein change: p.Pro345=; no amino-acid change (proline 345 retained).
Molecular consequence: synonymous variant.
Genome position (GRCh38, 1-based): chr20:2,325,900, C>G. VCF-style: chr20-2325900-C-G. GRCh37 (hg19) VCF-style: chr20-2306546-C-G.
Identifiers: ClinVar variation 710153 (VCV000710153.5), dbSNP rs111244888, ClinGen allele CA9731037.

ClinVar aggregate classification (germline): Benign. Review status: criteria provided, single submitter (1 of 4 stars). 2 submissions from 2 submitters: Benign (1). 1 of the submissions does not count toward it. Last evaluated 2018-06-18.

Conditions:
TGM3-related disorder. Also called: TGM3-related condition.

Allele frequency attached by ClinVar (database versions not stated): gnomAD exomes 0.00034; ExAC 0.00106; gnomAD 0.00163 and 0.00176; 1000 Genomes Project 0.00180; 1000 Genomes Project 30x 0.00187; TOPMed 0.00194; ESP Exome Variant Server 0.00215.
gnomAD v4.1: 495 of 1,591,464 alleles (0.031%); highest among the groups gnomAD compares: African/African-American, 0.55%; 1 homozygote.

Submissions (2):

Labcorp Genetics (formerly Invitae), Labcorp
Classification: Benign. Last evaluated: 2018-06-18. Review status: criteria provided, single submitter. Criteria: Invitae Variant Classification Sherloc (09022015). Collection method: clinical testing. Allele origin: germline.

PreventionGenetics, part of Exact Sciences
Classification: Likely benign for TGM3-related condition. Last evaluated: 2020-02-17. Review status: no assertion criteria provided. Collection method: clinical testing. Allele origin: germline. Not counted in ClinVar's aggregate classification.
Comment: This variant is classified as likely benign based on ACMG/AMP sequence variant interpretation guidelines (Richards et al. 2015 PMID: 25741868, with internal and published modifications).